The following is an entry in ClinVar:

ClinVar aggregate classification (germline): Uncertain significance (1 of 4 stars; one submission).

Conditions:
Amyotrophic lateral sclerosis type 1 (ALS1). Also called: AMYOTROPHIC LATERAL SCLEROSIS 1, FAMILIAL. Identifiers: Orphanet 803, MedGen C1862939, MONDO:0007103, OMIM 105400.
Neuronopathy, distal hereditary motor, type 7B. Also called: HMN VIIB; LOWER MOTOR NEURON DISEASE, DYNACTIN TYPE; NEURONOPATHY, DISTAL HEREDITARY MOTOR, AUTOSOMAL DOMINANT 14; NEURONOPATHY, DISTAL HEREDITARY MOTOR, HARDING TYPE VIIB; NEUROPATHY, DISTAL HEREDITARY MOTOR, HARDING TYPE VIIB; NEUROPATHY, DISTAL HEREDITARY MOTOR, WITH VOCAL CORD PARALYSIS, HARDING TYPE VIIB. Identifiers: Orphanet 139589, MedGen C1843315, MONDO:0011879, OMIM 607641.
Perry syndrome. Also called: PARKINSONISM WITH ALVEOLAR HYPOVENTILATION AND MENTAL DEPRESSION. Identifiers: Orphanet 178509, MedGen C1868594, MONDO:0008201, OMIM 168605.

gnomAD v4.1: 1 of 1,614,182 alleles (0.000062%); highest among the groups gnomAD compares: Admixed American, 0.0017%; no homozygotes.

Submission:

GeneDx
Classification: Uncertain significance. Last evaluated: 2024-10-23. Review status: criteria provided, single submitter. Criteria: GeneDx Variant Classification Process June 2021. Collection method: clinical testing. Allele origin: germline. Affected: yes.
Comment: Not observed at significant frequency in large population cohorts (gnomAD); In silico analysis indicates that this missense variant does not alter protein structure/function; Has not been previously published as pathogenic or benign to our knowledge

NM_004082.5(DCTN1):c.2054T>C (p.Val685Ala)

Gene: DCTN1 (dynactin subunit 1; minus strand). Cytogenetic location: 2p13.1.
Variant type: single nucleotide variant.
Coding change: c.2054T>C on transcript NM_004082.5 (MANE Select); coding-DNA position 2054, T replaced by C.
Protein change: p.Val685Ala; replaces valine 685 with alanine.
Molecular consequence: missense variant. On other transcripts: non-coding transcript variant (1).
Genome position (GRCh38, 1-based): chr2:74,367,826, A>G on the plus strand (T>C on the coding strand, the complement: DCTN1 is on the minus strand). VCF-style: chr2-74367826-A-G. GRCh37 (hg19) VCF-style: chr2-74594953-A-G.
Other names: c.1994T>C, p.Val665Ala (NM_001135040.3); c.1652T>C, p.Val551Ala (NM_001135041.3, NM_023019.4); c.1943T>C, p.Val648Ala (NM_001190836.2); c.2033T>C, p.Val678Ala (NM_001190837.2); c.2003T>C, p.Val668Ala (NM_001378991.1); c.1985T>C, p.Val662Ala (NM_001378992.1); short protein forms V551A, V648A, V662A, V665A, V668A, V678A, V685A.
Identifiers: ClinVar variation 3893437 (VCV003893437.2).